The following is an entry in ClinVar:

ClinVar aggregate classification (germline): Benign/Likely benign. Review status: criteria provided, multiple submitters, no conflicts (2 of 4 stars). 6 submissions from 6 submitters: Benign (1); Likely benign (5). Last evaluated 2025-05-14.

Conditions:
Hereditary cancer-predisposing syndrome. Also called: Tumor predisposition; Hereditary Cancer Syndrome; Hereditary neoplastic syndrome; Neoplastic Syndromes, Hereditary. Identifiers: Orphanet 140162, MedGen C0027672, MeSH D009386, MONDO:0015356.
Peutz-Jeghers syndrome (PJS). Also called: POLYPOSIS, HAMARTOMATOUS INTESTINAL; POLYPS-AND-SPOTS SYNDROME; Peutz-Jeghers polyposis; Periorificial lentiginosis syndrome. Identifiers: Orphanet 2869, MedGen C0031269, MeSH D010580, MONDO:0008280, OMIM 175200.

Allele frequency attached by ClinVar (database versions not stated): TOPMed below 0.00001; ExAC 0.00001; gnomAD exomes 0.00001.
gnomAD v4.1: 21 of 1,613,918 alleles (0.0013%); highest among the groups gnomAD compares: South Asian, 0.0022%; no homozygotes.

Submissions (6):

Labcorp Genetics (formerly Invitae), Labcorp
Classification: Likely benign for Peutz-Jeghers syndrome. Last evaluated: 2025-05-14. Review status: criteria provided, single submitter. Criteria: Invitae Variant Classification Sherloc (09022015). Collection method: clinical testing. Allele origin: germline.

Myriad Genetics, Inc.
Classification: Benign for Peutz-Jeghers syndrome. Last evaluated: 2025-03-25. Review status: criteria provided, single submitter. Criteria: Myriad Autosomal Dominant, Autosomal Recessive and X-Linked Classification Criteria (2023). Collection method: clinical testing. Allele origin: unknown.
Comment: This variant is considered benign. This variant is a silent/synonymous amino acid change and it is not expected to impact splicing.

All of Us Research Program, National Institutes of Health
Classification: Likely benign for Peutz-Jeghers syndrome. Last evaluated: 2024-03-25. Review status: criteria provided, single submitter. Criteria: ACMG Guidelines, 2015. Collection method: clinical testing. Allele origin: germline. Inheritance: Autosomal dominant inheritance. Observed: 1 variant allele, 1 heterozygote.
Comment: This study involves interpretation of variants in research participants for the purpose of population health screening. Participant phenotype was not available at the time of variant classification. Additional details can be found in publication PMID: 35346344, PMCID: PMC8962531

Quest Diagnostics Nichols Institute San Juan Capistrano
Classification: Likely benign. Last evaluated: 2023-08-23. Review status: criteria provided, single submitter. Criteria: Quest Diagnostics criteria. Collection method: clinical testing. Allele origin: unknown.

Color Diagnostics, LLC DBA Color Health
Classification: Likely benign for Hereditary cancer-predisposing syndrome. Last evaluated: 2018-11-30. Review status: criteria provided, single submitter. Criteria: ACMG Guidelines, 2015. Collection method: clinical testing. Allele origin: germline.

Ambry Genetics
Classification: Likely benign for Hereditary cancer-predisposing syndrome. Last evaluated: 2017-12-15. Review status: criteria provided, single submitter. Criteria: Ambry Variant Classification Scheme 2023. Collection method: clinical testing. Allele origin: germline.

Literature cited by the submitters: PubMed 32508039 (cited by Quest Diagnostics Nichols Institute San Juan Capistrano).

NM_000455.5(STK11):c.180C>T (p.Tyr60=)

Gene: STK11 (serine/threonine kinase 11; plus strand). Cytogenetic location: 19p13.3.
Variant type: single nucleotide variant.
Coding change: c.180C>T on transcript NM_000455.5 (MANE Select); coding-DNA position 180, C replaced by T.
Protein change: p.Tyr60=; no amino-acid change (tyrosine 60 retained).
Molecular consequence: synonymous variant.
Genome position (GRCh38, 1-based): chr19:1,207,093, C>T. VCF-style: chr19-1207093-C-T. GRCh37 (hg19) VCF-style: chr19-1207092-C-T.
Identifiers: ClinVar variation 237796 (VCV000237796.21), dbSNP rs778376925, ClinGen allele CA046474.